The following is an entry in ClinVar:

ClinVar aggregate classification (germline): Benign/Likely benign. Review status: criteria provided, multiple submitters, no conflicts (2 of 4 stars). 14 submissions from 14 submitters: Benign (1); Likely benign (11). 2 of the submissions do not count toward it. Last evaluated 2026-01-26.

Conditions:
MYPN-related disorder. Also called: MYPN-related condition.
Cardiovascular phenotype. Identifiers: MedGen CN230736.
Dilated cardiomyopathy 1KK (CMD1KK). Identifiers: Orphanet 154, Orphanet 75249, MedGen C3714995, MONDO:0014100, OMIM 615248.

Allele frequency attached by ClinVar (database versions not stated): gnomAD exomes 0.00017 and 0.00058; ExAC 0.00065; 1000 Genomes Project 30x 0.00125; 1000 Genomes Project 0.00160; gnomAD 0.00210 and 0.00225; TOPMed 0.00240; ESP Exome Variant Server 0.00254.
gnomAD v4.1: 582 of 1,614,108 alleles (0.036%); highest among the groups gnomAD compares: African/African-American, 0.69%; 4 homozygotes.

Submissions (14):

Labcorp Genetics (formerly Invitae), Labcorp
Classification: Benign for Dilated cardiomyopathy 1KK. Last evaluated: 2026-01-26. Review status: criteria provided, single submitter. Criteria: Invitae Variant Classification Sherloc (09022015). Collection method: clinical testing. Allele origin: germline.

Mayo Clinic Laboratories, Mayo Clinic
Classification: Likely benign. Last evaluated: 2025-04-11. Review status: criteria provided, single submitter. Criteria: ACMG Guidelines, 2015. Collection method: clinical testing. Allele origin: germline. Observed: 6 variant alleles.
Comment: BS1, BP4_moderate

Blueprint Genetics
Classification: Likely benign. Last evaluated: 2024-10-09. Review status: criteria provided, single submitter. Criteria: ACMG Guidelines, 2015. Collection method: clinical testing. Allele origin: germline.

Women's Health and Genetics/Laboratory Corporation of America, LabCorp
Classification: Likely benign. Last evaluated: 2023-08-19. Review status: criteria provided, single submitter. Criteria: LabCorp Variant Classification Summary - May 2015. Collection method: clinical testing. Allele origin: germline.

CeGaT Center for Human Genetics Tuebingen
Classification: Likely benign. Last evaluated: 2023-04-01. Review status: criteria provided, single submitter. Criteria: CeGaT Center For Human Genetics Tuebingen Variant Classification Criteria Version 2. Collection method: clinical testing. Allele origin: germline. Affected: yes. Observed: 1 variant allele.
Comment: MYPN: BP4, BS2

GeneDx
Classification: Likely benign. Last evaluated: 2021-06-18. Review status: criteria provided, single submitter. Criteria: GeneDx Variant Classification Process June 2021. Collection method: clinical testing. Allele origin: germline. Affected: yes.
Comment: This variant is associated with the following publications: (PMID: 26937396)

ARUP Laboratories, Molecular Genetics and Genomics, ARUP Laboratories
Classification: Likely benign. Last evaluated: 2020-06-23. Review status: criteria provided, single submitter. Criteria: ARUP Molecular Germline Variant Investigation Process. Collection method: clinical testing. Allele origin: germline.

Laboratorio de Genetica e Diagnostico Molecular, Hospital Israelita Albert Einstein
Classification: Likely benign. Last evaluated: 2020-02-25. Review status: criteria provided, single submitter. Criteria: ACMG Guidelines, 2015. Collection method: clinical testing. Allele origin: germline. Affected: yes.
Comment: ACMG classification criteria: BP1, BP6

Ambry Genetics
Classification: Likely benign for Cardiovascular phenotype. Last evaluated: 2018-10-03. Review status: criteria provided, single submitter. Criteria: Ambry Variant Classification Scheme 2023. Collection method: clinical testing. Allele origin: germline.

Laboratory for Molecular Medicine, Mass General Brigham Personalized Medicine
Classification: Likely benign. Last evaluated: 2016-08-04. Review status: criteria provided, single submitter. Criteria: LMM Criteria. Collection method: clinical testing. Allele origin: germline. Observed: 1 variant allele.
Comment: p.Thr746Ala in exon 12 of MYPN: This variant is not expected to have clinical si gnificance because it has been identified in 0.7% (75/10406) of African chromoso mes by the Exome Aggregation Consortium (ExAC; d bSNP rs147287437).

Clinical Genetics DNA and cytogenetics Diagnostics Lab, Erasmus MC, Erasmus Medical Center
Classification: Likely benign for Dilated cardiomyopathy 1KK. Last evaluated: 2015-09-21. Review status: criteria provided, single submitter. Criteria: ACGS Guidelines, 2013. Collection method: clinical testing. Allele origin: germline. Affected: yes. Study: VKGL Data-share Consensus.

Breakthrough Genomics
Classification: Likely benign. Review status: criteria provided, single submitter. Criteria: ACMG Guidelines, 2015. Collection method: not provided. Allele origin: germline. Inheritance: Autosomal recessive inheritance. Affected: yes.

PreventionGenetics, part of Exact Sciences
Classification: Likely benign for MYPN-related condition. Last evaluated: 2020-09-17. Review status: no assertion criteria provided. Collection method: clinical testing. Allele origin: germline. Not counted in ClinVar's aggregate classification.
Comment: This variant is classified as likely benign based on ACMG/AMP sequence variant interpretation guidelines (Richards et al. 2015 PMID: 25741868, with internal and published modifications).

Clinical Genetics, Academic Medical Center
Classification: Likely benign. Review status: no assertion criteria provided. Collection method: clinical testing. Allele origin: germline. Affected: yes. Study: VKGL Data-share Consensus. Not counted in ClinVar's aggregate classification.

Literature cited by the submitters: PubMed 26937396 (cited by Mayo Clinic Laboratories, Mayo Clinic).

NM_032578.4(MYPN):c.2236A>G (p.Thr746Ala)

Gene: MYPN (myopalladin; plus strand). Cytogenetic location: 10q21.3.
Variant type: single nucleotide variant.
Coding change: c.2236A>G on transcript NM_032578.4 (MANE Select); coding-DNA position 2236, A replaced by G.
Protein change: p.Thr746Ala; replaces threonine 746 with alanine.
Molecular consequence: missense variant. On other transcripts: non-coding transcript variant (2).
Genome position (GRCh38, 1-based): chr10:68,174,328, A>G. VCF-style: chr10-68174328-A-G. GRCh37 (hg19) VCF-style: chr10-69934085-A-G.
Other names: p.T746A:ACT>GCT; c.2236A>G, p.Thr746Ala (NM_001256267.2); c.1354A>G, p.Thr452Ala (NM_001256268.2); short protein forms T746A, T452A.
Identifiers: ClinVar variation 201870 (VCV000201870.61), dbSNP rs147287437, ClinGen allele CA335270.